The following is an entry in ClinVar:

NM_001378454.1(ALMS1):c.5309A>G (p.Gln1770Arg)

Gene: ALMS1 (ALMS1 centrosome and basal body associated protein; plus strand). Cytogenetic location: 2p13.1.
Variant type: single nucleotide variant.
Coding change: c.5309A>G on transcript NM_001378454.1 (MANE Select); coding-DNA position 5309, A replaced by G.
Protein change: p.Gln1770Arg; replaces glutamine 1770 with arginine.
Molecular consequence: missense variant.
Genome position (GRCh38, 1-based): chr2:73,451,836, A>G. VCF-style: chr2-73451836-A-G. GRCh37 (hg19) VCF-style: chr2-73678963-A-G.
Other names: c.5312A>G, p.Gln1771Arg (NM_015120.4); short protein forms Q1771R, Q1770R.
Identifiers: ClinVar variation 1467664 (VCV001467664.3), dbSNP rs2103785989, ClinGen allele CA347280899.

ClinVar aggregate classification (germline): Uncertain significance (1 of 4 stars; one submission).

Conditions:
Alstrom syndrome (ALMS). Identifiers: Orphanet 64, MedGen C0268425, MONDO:0008763, OMIM 203800.

Allele frequency attached by ClinVar (database versions not stated): gnomAD exomes below 0.00001.
gnomAD v4.1: 1 of 1,613,998 alleles (0.000062%); highest among the groups gnomAD compares: Non-Finnish European, 0.000085%; no homozygotes.

Submission:

Labcorp Genetics (formerly Invitae), Labcorp
Classification: Uncertain significance for Alstrom syndrome. Last evaluated: 2021-08-02. Review status: criteria provided, single submitter. Criteria: Invitae Variant Classification Sherloc (09022015). Collection method: clinical testing. Allele origin: germline.
Comment: This sequence change replaces glutamine with arginine at codon 1771 of the ALMS1 protein (p.Gln1771Arg). The glutamine residue is moderately conserved and there is a small physicochemical difference between glutamine and arginine. This variant is not present in population databases (ExAC no frequency). This variant has not been reported in the literature in individuals affected with ALMS1-related conditions. Experimental studies and prediction algorithms are not available or were not evaluated, and the functional significance of this variant is currently unknown. In summary, the available evidence is currently insufficient to determine the role of this variant in disease. Therefore, it has been classified as a Variant of Uncertain Significance.